The following is an entry in ClinVar:

NM_000282.4(PCCA):c.58T>A (p.Trp20Arg)

Gene: PCCA (propionyl-CoA carboxylase subunit alpha; plus strand). Cytogenetic location: 13q32.3.
Variant type: single nucleotide variant.
Coding change: c.58T>A on transcript NM_000282.4 (MANE Select); coding-DNA position 58, T replaced by A.
Protein change: p.Trp20Arg; replaces tryptophan 20 with arginine.
Molecular consequence: missense variant. On other transcripts: 5 prime UTR variant (3), non-coding transcript variant (5).
Genome position (GRCh38, 1-based): chr13:100,089,178, T>A. VCF-style: chr13-100089178-T-A. GRCh37 (hg19) VCF-style: chr13-100741432-T-A.
Other names: c.58T>A, p.Trp20Arg (NM_001127692.3, NM_001178004.2, NM_001352605.2 and 4 more transcripts); c.-809T>A (NM_001352610.2, NM_001352611.2, NM_001352612.2); short protein forms W20R.
Identifiers: ClinVar variation 1986469 (VCV001986469.2), dbSNP rs1302125451, ClinGen allele CA388692682.
Genomic context (GRCh38, chr13:100,089,178, plus strand): 5'-ACAATGGCGGGGTTCTGGGTCGGGACAGCACCGCTGGTCGCTGCCGGACGGCGTGGGCGG[T>A]GGCCGCCGCAGCAGCTGATGCTGAGCGCGGCGCTGCGGACCCTGAAGGTGAGGAGCAACG-3'
Protein context (NP_000273.2, residues 10-30): PLVAAGRRGR[Trp20Arg]PPQQLMLSAA

ClinVar aggregate classification (germline): Uncertain significance (1 of 4 stars; one submission).

Conditions:
Propionic acidemia (PROP). Also called: GLYCINEMIA, KETOTIC; HYPERGLYCINEMIA WITH KETOACIDOSIS AND LEUKOPENIA; KETOTIC HYPERGLYCINEMIA. Identifiers: Orphanet 35, MedGen C0268579, MONDO:0011628, OMIM 606054, HP:0003571.

Allele frequency attached by ClinVar (database versions not stated): gnomAD 0.00001; TOPMed 0.00002.

Submission:

Labcorp Genetics (formerly Invitae), Labcorp
Classification: Uncertain significance for Propionic acidemia. Last evaluated: 2022-04-24. Review status: criteria provided, single submitter. Criteria: Invitae Variant Classification Sherloc (09022015). Collection method: clinical testing. Allele origin: germline.
Comment: This sequence change replaces tryptophan, which is neutral and slightly polar, with arginine, which is basic and polar, at codon 20 of the PCCA protein (p.Trp20Arg). This variant is not present in population databases (gnomAD no frequency). This variant has not been reported in the literature in individuals affected with PCCA-related conditions. Advanced modeling of protein sequence and biophysical properties (such as structural, functional, and spatial information, amino acid conservation, physicochemical variation, residue mobility, and thermodynamic stability) performed at Invitae indicates that this missense variant is not expected to disrupt PCCA protein function. In summary, the available evidence is currently insufficient to determine the role of this variant in disease. Therefore, it has been classified as a Variant of Uncertain Significance.